The following is an entry in ClinVar:

ClinVar aggregate classification (germline): Uncertain significance (1 of 4 stars; one submission).

Allele frequency attached by ClinVar (database versions not stated): gnomAD exomes below 0.00001.
gnomAD v4.1: 2 of 1,613,942 alleles (0.00012%); highest among the groups gnomAD compares: East Asian, 0.0022%; no homozygotes.

Submission:

Women's Health and Genetics/Laboratory Corporation of America, LabCorp
Classification: Uncertain significance. Last evaluated: 2023-11-16. Review status: criteria provided, single submitter. Criteria: LabCorp Variant Classification Summary - May 2015. Collection method: clinical testing. Allele origin: germline.
Comment: Variant summary: HPD c.460G>A (p.Gly154Ser) results in a non-conservative amino acid change in the encoded protein sequence. Five of five in-silico tools predict a damaging effect of the variant on protein function. The variant allele was found at a frequency of 4e-06 in 251404 control chromosomes (gnomAD). The available data on variant occurrences in the general population are insufficient to allow any conclusion about variant significance. c.460G>A has been reported in the literature in the heterozygous state in individuals with elevated tyrosine levels without strong evidence of causality (Zhao_2020, Zhang_2021, Zhou_2022). These reports do not provide unequivocal conclusions about association of the variant with Tyrosinemia Type 3. To our knowledge, no experimental evidence demonstrating an impact on protein function has been reported. The following publications have been ascertained in the context of this evaluation (PMID: 32109208, 33514801, 35664874). No submitters have cited clinical-significance assessments for this variant to ClinVar after 2014. Based on the evidence outlined above, the variant was classified as uncertain significance.

Literature cited by the submitters: PubMed 33514801; PubMed 32109208; PubMed 35664874.

NM_002150.3(HPD):c.460G>A (p.Gly154Ser)

Genes: HPD (4-hydroxyphenylpyruvate dioxygenase; minus strand), TIALD (transcript inducer of AURKA lysosomal degradation; plus strand). Cytogenetic location: 12q24.31.
Variant type: single nucleotide variant.
Coding change: c.460G>A on transcript NM_002150.3 (MANE Select); coding-DNA position 460, G replaced by A.
Protein change: p.Gly154Ser; replaces glycine 154 with serine.
Molecular consequence: missense variant.
Genome position (GRCh38, 1-based): chr12:121,849,745, C>T on the plus strand (G>A on the coding strand, the complement: HPD is on the minus strand). VCF-style: chr12-121849745-C-T. GRCh37 (hg19) VCF-style: chr12-122287651-C-T.
Other names: c.343G>A, p.Gly115Ser (NM_001171993.2); short protein forms G115S, G154S.
Identifiers: ClinVar variation 2682574 (VCV002682574.1), dbSNP rs1450141568, ClinGen allele CA387017720.